The following is an entry in ClinVar:

NM_018993.4(RIN2):c.667C>G (p.Leu223Val)

Gene: RIN2 (Ras and Rab interactor 2; plus strand). Cytogenetic location: 20p11.23.
Variant type: single nucleotide variant.
Coding change: c.667C>G on transcript NM_018993.4 (MANE Select); coding-DNA position 667, C replaced by G.
Protein change: p.Leu223Val; replaces leucine 223 with valine.
Molecular consequence: missense variant.
Genome position (GRCh38, 1-based): chr20:19,974,692, C>G. VCF-style: chr20-19974692-C-G. GRCh37 (hg19) VCF-style: chr20-19955336-C-G.
Other names: c.814C>G, p.Leu272Val (NM_001242581.2); c.49C>G, p.Leu17Val (NM_001378238.1); c.667C>G (NM_018993.3); short protein forms L272V, L223V, L17V.
Identifiers: ClinVar variation 2190913 (VCV002190913.4), dbSNP rs971990637, ClinGen allele CA408360728.
Genomic context (GRCh38, chr20:19,974,692, plus strand): 5'-GTTCACTGATAATGACTTTCAGATTTCTGGAGCTCCCCAGCTGACAGCAAACCCCCGAAC[C>G]TTCCACCTCCCCATAGGCCTCTTTCCTCCGACGGTGTCTGTCCTGCCTCCCTGCGTCAGC-3'
Protein context (NP_061866.1, residues 213-233): SSPADSKPPN[Leu223Val]PPPHRPLSSD

ClinVar aggregate classification (germline): Uncertain significance. Review status: criteria provided, multiple submitters, no conflicts (2 of 4 stars). 2 submissions from 2 submitters: Uncertain significance (2). Last evaluated 2025-09-05.

Conditions:
Inborn genetic diseases. Identifiers: MedGen C0950123, MeSH D030342.

gnomAD v4.1: 4 of 1,613,812 alleles (0.00025%); highest among the groups gnomAD compares: Non-Finnish European, 0.00025%; no homozygotes.

Submissions (2):

Ambry Genetics
Classification: Uncertain significance for Inborn genetic diseases. Last evaluated: 2025-09-05. Review status: criteria provided, single submitter. Criteria: Ambry Variant Classification Scheme 2023. Collection method: clinical testing. Allele origin: germline.

Labcorp Genetics (formerly Invitae), Labcorp
Classification: Uncertain significance. Last evaluated: 2022-07-16. Review status: criteria provided, single submitter. Criteria: Invitae Variant Classification Sherloc (09022015). Collection method: clinical testing. Allele origin: germline.
Comment: This sequence change replaces leucine, which is neutral and non-polar, with valine, which is neutral and non-polar, at codon 223 of the RIN2 protein (p.Leu223Val). This variant is present in population databases (no rsID available, gnomAD no frequency). This variant has not been reported in the literature in individuals affected with RIN2-related conditions. Algorithms developed to predict the effect of missense changes on protein structure and function are either unavailable or do not agree on the potential impact of this missense change (SIFT: "Tolerated"; PolyPhen-2: "Not Available"; Align-GVGD: "Class C0"). In summary, the available evidence is currently insufficient to determine the role of this variant in disease. Therefore, it has been classified as a Variant of Uncertain Significance.